The following is an entry in ClinVar:

ClinVar aggregate classification (germline): Pathogenic. Review status: criteria provided, multiple submitters, no conflicts (2 of 4 stars). 2 submissions from 2 submitters: Pathogenic (2). Last evaluated 2023-09-08.

Conditions:
Hereditary cancer-predisposing syndrome. Also called: Hereditary Cancer Syndrome; Neoplastic Syndromes, Hereditary; Tumor predisposition; Hereditary neoplastic syndrome. Identifiers: Orphanet 140162, MedGen C0027672, MeSH D009386, MONDO:0015356.
Familial cancer of breast. Also called: BREAST CANCER, FAMILIAL; Hereditary breast cancer; hereditary breast carcinoma. Identifiers: Orphanet 227535, MedGen C0346153, MONDO:0016419, OMIM 114480. Disease mechanism: loss of function.

Submissions (2):

Myriad Genetics, Inc.
Classification: Pathogenic for Familial cancer of breast. Last evaluated: 2023-09-08. Review status: criteria provided, single submitter. Criteria: Myriad Autosomal Dominant, Autosomal Recessive and X-Linked Classification Criteria (2023). Collection method: clinical testing. Allele origin: unknown.
Comment: This variant is considered pathogenic. This variant creates a frameshift predicted to result in premature protein truncation.

Ambry Genetics
Classification: Pathogenic for Hereditary cancer-predisposing syndrome. Last evaluated: 2020-10-09. Review status: criteria provided, single submitter. Criteria: Ambry Variant Classification Scheme 2023. Collection method: clinical testing. Allele origin: germline.
Comment: The c.1187dupG pathogenic mutation, located in coding exon 4 of the PALB2 gene, results from a duplication of G at nucleotide position 1187, causing a translational frameshift with a predicted alternate stop codon (p.C396Wfs*5). This alteration is expected to result in loss of function by premature protein truncation or nonsense-mediated mRNA decay. As such, this alteration is interpreted as a disease-causing mutation.

NM_024675.4(PALB2):c.1187dup (p.Cys396fs)

Gene: PALB2 (partner and localizer of BRCA2; minus strand). Cytogenetic location: 16p12.2.
Variant type: Duplication.
Coding change: c.1187dup on transcript NM_024675.4 (MANE Select); coding-DNA position 1187, one base duplicated (G; older notation c.1187dupG).
Protein change: p.Cys396fs; shifts the reading frame from cysteine 396.
Molecular consequence: frameshift variant.
Genome position (GRCh38, 1-based): chr16:23,635,359, C duplicated on the plus strand (G on the coding strand, the reverse complement: PALB2 is on the minus strand). VCF-style (leftmost placement, unchanged base first): chr16-23635358-G-GC. GRCh37 (hg19) VCF-style: chr16-23646679-G-GC.
Other names: c.1127dup, p.Cys376Trpfs (NM_001407296.1); c.1187dup, p.Cys396Trpfs (NM_001407297.1, NM_001407298.1, NM_001407299.1 and 3 more transcripts); c.302dup, p.Cys101Trpfs (NM_001407304.1, NM_001407305.1, NM_001407306.1 and 5 more transcripts); c.1187dupG (NM_024675.3); short protein forms C396fs.
Identifiers: ClinVar variation 1743771 (VCV001743771.3), dbSNP rs2506486066, ClinGen allele CA2580091302.
Genomic context (GRCh38, chr16:23,635,358, plus strand): 5'-CATGCTTCGTGTTGTTCTAACATAATATTCTGCAGGAAACAGAAGGCCTTCAGGCACTGT[G>GC]CAAGAATGTTTTTCTGCAGAAAGAGGAGAGGTTGCTTCCAGGCTAAGACTCTTAGGTTGA-3'